The following is an entry in ClinVar:

NM_005120.3(MED12):c.3405C>T (p.Leu1135=)

Gene: MED12 (mediator complex subunit 12; plus strand). Cytogenetic location: Xq13.1.
Variant type: single nucleotide variant.
Coding change: c.3405C>T on transcript NM_005120.3 (MANE Select); coding-DNA position 3405, C replaced by T.
Protein change: p.Leu1135=; no amino-acid change (leucine 1135 retained).
Molecular consequence: synonymous variant.
Genome position (GRCh38, 1-based): chrX:71,128,648, C>T. VCF-style: chrX-71128648-C-T. GRCh37 (hg19) VCF-style: chrX-70348498-C-T.
Identifiers: ClinVar variation 2428886 (VCV002428886.4), dbSNP rs2519690026, ClinGen allele CA516720802.
Genomic context (GRCh38, chrX:71,128,648, plus strand): 5'-TTTCCTCCAGGTCAGTGACCTATCTTTTCATGACTCGCTGGCTACTTTTGTTGCCATCCT[C>T]ATCGCTCGGCAGTGTTTGCTCCTGGAAGATCTGATTCGCTGTGCTGCCATCCCTTCACTC-3'
Protein context (NP_005111.2, residues 1125-1145): HDSLATFVAI[Leu1135=]IARQCLLLED

ClinVar aggregate classification (germline): Uncertain significance (1 of 4 stars; one submission).

Allele frequency attached by ClinVar (database versions not stated): gnomAD exomes below 0.00001.
gnomAD v4.1: 2 of 1,210,358 alleles (0.00017%); highest among the groups gnomAD compares: Middle Eastern, 0.023%; no homozygotes.

Submission:

GeneDx
Classification: Uncertain significance. Last evaluated: 2022-08-05. Review status: criteria provided, single submitter. Criteria: GeneDx Variant Classification Process June 2021. Collection method: clinical testing. Allele origin: germline. Affected: yes.
Comment: Not observed at significant frequency in large population cohorts (gnomAD); In silico analysis supports that this variant does not alter splicing; Has not been previously published as pathogenic or benign to our knowledge